The following is an entry in ClinVar:

NM_006227.4(PLTP):c.76G>C (p.Val26Leu)

Gene: PLTP (phospholipid transfer protein; minus strand). Cytogenetic location: 20q13.12.
Variant type: single nucleotide variant.
Coding change: c.76G>C on transcript NM_006227.4 (MANE Select); coding-DNA position 76, G replaced by C.
Protein change: p.Val26Leu; replaces valine 26 with leucine.
Molecular consequence: missense variant.
Genome position (GRCh38, 1-based): chr20:45,911,377, C>G on the plus strand (G>C on the coding strand, the complement: PLTP is on the minus strand). VCF-style: chr20-45911377-C-G. GRCh37 (hg19) VCF-style: chr20-44540016-C-G.
Other names: c.76G>C, p.Val26Leu (NM_001242920.2, NM_182676.3); c.76G>C (NM_006227.3); short protein forms V26L.
Identifiers: ClinVar variation 2192348 (VCV002192348.5), dbSNP rs374545133, ClinGen allele CA9884027.
Genomic context (GRCh38, chr20:45,911,377, plus strand): 5'-CGCTCCCGTCCGTCCCTGTCTGCCCCTGCGCCTTACCCAGCTCCAGCGCCTTGGAGGTGA[C>G]GCGGATCTTGCAGCCTGGGAACTCTGCATGTGCGCCTGCCAGCAGCGCTAGGAAGAGGGC-3'
Protein context (NP_006218.1, residues 16-36): HAEFPGCKIR[Val26Leu]TSKALELVKQ

ClinVar aggregate classification (germline): Uncertain significance. Review status: criteria provided, multiple submitters, no conflicts (2 of 4 stars). 2 submissions from 2 submitters: Uncertain significance (2). Last evaluated 2025-10-22.

Allele frequency attached by ClinVar (database versions not stated): ExAC 0.00002; gnomAD 0.00005; TOPMed 0.00005; ESP Exome Variant Server 0.00031.
gnomAD v4.1: 121 of 1,612,010 alleles (0.0075%); highest among the groups gnomAD compares: Non-Finnish European, 0.0097%; no homozygotes.

Submissions (2):

Ambry Genetics
Classification: Uncertain significance. Last evaluated: 2025-10-22. Review status: criteria provided, single submitter. Criteria: Ambry Variant Classification Scheme 2023. Collection method: clinical testing. Allele origin: germline.

Labcorp Genetics (formerly Invitae), Labcorp
Classification: Uncertain significance. Last evaluated: 2022-04-24. Review status: criteria provided, single submitter. Criteria: Invitae Variant Classification Sherloc (09022015). Collection method: clinical testing. Allele origin: germline.
Comment: In summary, the available evidence is currently insufficient to determine the role of this variant in disease. Therefore, it has been classified as a Variant of Uncertain Significance. Algorithms developed to predict the effect of missense changes on protein structure and function (SIFT, PolyPhen-2, Align-GVGD) all suggest that this variant is likely to be tolerated. This variant has not been reported in the literature in individuals affected with PLTP-related conditions. This variant is present in population databases (rs374545133, gnomAD 0.009%). This sequence change replaces valine, which is neutral and non-polar, with leucine, which is neutral and non-polar, at codon 26 of the PLTP protein (p.Val26Leu).